The following is an entry in ClinVar:

NM_017763.6(RNF43):c.795C>T (p.Ser265=)

Gene: RNF43 (ring finger protein 43; minus strand). Cytogenetic location: 17q22.
Variant type: single nucleotide variant.
Coding change: c.795C>T on transcript NM_017763.6 (MANE Select); coding-DNA position 795, C replaced by T.
Protein change: p.Ser265=; no amino-acid change (serine 265 retained).
Molecular consequence: synonymous variant.
Genome position (GRCh38, 1-based): chr17:58,360,837, G>A on the plus strand (C>T on the coding strand, the complement: RNF43 is on the minus strand). VCF-style: chr17-58360837-G-A. GRCh37 (hg19) VCF-style: chr17-56438198-G-A.
Other names: c.795C>T, p.Ser265= (NM_001305544.3, NM_001438820.1, NM_001438821.1 and 1 more transcripts); c.414C>T, p.Ser138= (NM_001305545.2, NM_001437987.1).
Identifiers: ClinVar variation 4875769 (VCV004875769.1).
Genomic context (GRCh38, chr17:58,360,837, plus strand): 5'-CCTTACCTGCCCCTCAGAGAACTCCTCCAGACAGATGGCACACACAGGGGCTGAGCTGCA[G>A]CTGCTCCCTGAGTCTGGCCACTCACCCCGGGCCTGCCTGCAGCTGGCCTGGTACCTCCTG-3'
Protein context (NP_060233.3, residues 255-275): ARGEWPDSGS[Ser265=]CSSAPVCAIC

ClinVar aggregate classification (germline): Benign (1 of 4 stars; one submission).

Conditions:
Sessile serrated polyposis cancer syndrome (SSPCS). Identifiers: Orphanet 157798, MedGen C4310714, MONDO:0014919, OMIM 617108.

Submission:

Myriad Genetics, Inc.
Classification: Benign for Sessile serrated polyposis cancer syndrome. Last evaluated: 2026-06-30. Review status: criteria provided, single submitter. Criteria: Myriad Autosomal Dominant, Autosomal Recessive and X-Linked Classification Criteria (2023). Collection method: clinical testing. Allele origin: unknown.
Comment: This variant is considered benign. This variant is a silent/synonymous amino acid change and it is not expected to impact splicing.